The following is an entry in ClinVar:

ClinVar aggregate classification (germline): Conflicting classifications of pathogenicity. Review status: criteria provided, conflicting classifications (1 of 4 stars). 2 submissions from 2 submitters: Uncertain significance (1); Likely benign (1). Last evaluated 2025-09-27.

gnomAD v4.1: 33 of 1,614,094 alleles (0.002%); highest among the groups gnomAD compares: Non-Finnish European, 0.0025%; no homozygotes.

Submissions (2):

Labcorp Genetics (formerly Invitae), Labcorp
Classification: Uncertain significance. Last evaluated: 2025-09-27. Review status: criteria provided, single submitter. Criteria: Invitae Variant Classification Sherloc (09022015). Collection method: clinical testing. Allele origin: germline.
Comment: This sequence change replaces serine, which is neutral and polar, with alanine, which is neutral and non-polar, at codon 197 of the SON protein (p.Ser197Ala). This variant is present in population databases (rs201216860, gnomAD 0.007%). This variant has not been reported in the literature in individuals affected with SON-related conditions. ClinVar contains an entry for this variant (Variation ID: 3257002). An algorithm developed to predict the effect of missense changes on protein structure and function (PolyPhen-2) suggests that this variant is likely to be tolerated. In summary, the available evidence is currently insufficient to determine the role of this variant in disease. Therefore, it has been classified as a Variant of Uncertain Significance.

CeGaT Center for Human Genetics Tuebingen
Classification: Likely benign. Last evaluated: 2024-07-01. Review status: criteria provided, single submitter. Criteria: CeGaT Center For Human Genetics Tuebingen Variant Classification Criteria Version 2. Collection method: clinical testing. Allele origin: germline. Affected: yes. Observed: 1 variant allele.
Comment: SON: BP4

NM_138927.4(SON):c.589T>G (p.Ser197Ala)

Gene: SON (SON DNA and RNA binding protein; plus strand). Cytogenetic location: 21q22.11.
Variant type: single nucleotide variant.
Coding change: c.589T>G on transcript NM_138927.4 (MANE Select); coding-DNA position 589, T replaced by G.
Protein change: p.Ser197Ala; replaces serine 197 with alanine.
Molecular consequence: missense variant. On other transcripts: non-coding transcript variant (1), intron variant (1).
Genome position (GRCh38, 1-based): chr21:33,549,820, T>G. VCF-style: chr21-33549820-T-G. GRCh37 (hg19) VCF-style: chr21-34922126-T-G.
Other names: c.589T>G, p.Ser197Ala (NM_001291411.2, NM_032195.3); c.244+3441T>G (NM_001291412.3); short protein forms S197A.
Identifiers: ClinVar variation 3257002 (VCV003257002.19).